The following is an entry in ClinVar:

ClinVar aggregate classification (germline): Conflicting classifications of pathogenicity. Review status: criteria provided, conflicting classifications (1 of 4 stars). 8 submissions from 7 submitters: Uncertain significance (2); Benign (2); Likely benign (3). 1 of the submissions does not count toward it. Last evaluated 2025-07-28.

Conditions:
Autosomal recessive ataxia, Beauce type. Also called: SYNE1 Deficiency; ATAXIA, RECESSIVE, OF BEAUCE; SYNE1-Related Autosomal Recessive Cerebellar Ataxia; Spinocerebellar ataxia, autosomal recessive 8. Identifiers: Orphanet 88644, MedGen C1853116, MONDO:0012549, OMIM 610743.
SYNE1-related disorder. Also called: SYNE1-related disease; SYNE1-related condition; SYNE1-related disorders.
Emery-Dreifuss muscular dystrophy 4, autosomal dominant (EDMD4). Also called: EMERY-DREIFUSS MUSCULAR DYSTROPHY 4 WITH VARIABLE FEATURES. Identifiers: Orphanet 261, MedGen C2751807, MONDO:0013071, OMIM 612998.

Allele frequency attached by ClinVar (database versions not stated): gnomAD exomes 0.00006; ExAC 0.00007; gnomAD 0.00022; TOPMed 0.00025; 1000 Genomes Project 30x 0.00031; ESP Exome Variant Server 0.00031; 1000 Genomes Project 0.00040.
gnomAD v4.1: 86 of 1,613,986 alleles (0.0053%); highest among the groups gnomAD compares: African/African-American, 0.056%; 1 homozygote.

Submissions (8):

Labcorp Genetics (formerly Invitae), Labcorp
Classification: Likely benign for Emery-Dreifuss muscular dystrophy 4, autosomal dominant; Autosomal recessive ataxia, Beauce type. Last evaluated: 2025-07-28. Review status: criteria provided, single submitter. Criteria: Invitae Variant Classification Sherloc (09022015). Collection method: clinical testing. Allele origin: germline.

Athena Diagnostics
Classification: Benign. Last evaluated: 2024-12-27. Review status: criteria provided, single submitter. Criteria: Athena Diagnostics Criteria. Collection method: clinical testing. Allele origin: unknown.
Comment: The frequency of this variant in the general population is higher than would generally be expected for pathogenic variants in this gene. Computational tools yielded predictions that this variant is unlikely to have an effect on normal RNA splicing. This nucleotide position exhibits low evolutionary conservation.

CeGaT Center for Human Genetics Tuebingen
Classification: Likely benign. Last evaluated: 2024-08-01. Review status: criteria provided, single submitter. Criteria: CeGaT Center For Human Genetics Tuebingen Variant Classification Criteria Version 2. Collection method: clinical testing. Allele origin: germline. Affected: yes. Observed: 2 variant alleles.
Comment: SYNE1: BP4, BP7

Illumina Laboratory Services, Illumina
Classification: Uncertain significance for Autosomal recessive ataxia, Beauce type. Last evaluated: 2018-01-12. Review status: criteria provided, single submitter. Criteria: ICSL Variant Classification Criteria 13 December 2019. Collection method: clinical testing. Allele origin: germline.

Illumina Laboratory Services, Illumina
Classification: Benign for Emery-Dreifuss muscular dystrophy 4, autosomal dominant. Last evaluated: 2018-01-12. Review status: criteria provided, single submitter. Criteria: ICSL Variant Classification Criteria 13 December 2019. Collection method: clinical testing. Allele origin: germline.
Comment: This variant was observed in the ICSL laboratory as part of a predisposition screen in an ostensibly healthy population. It had not been previously curated by ICSL or reported in the Human Gene Mutation Database (HGMD: prior to June 1st, 2018), and was therefore a candidate for classification through an automated scoring system. Utilizing variant allele frequency, disease prevalence and penetrance estimates, and inheritance mode, an automated score was calculated to assess if this variant is too frequent to cause the disease. Based on the score and internal cut-off values, a variant classified as benign is not then subjected to further curation. The score for this variant resulted in a classification of benign for this disease.

GeneDx
Classification: Likely benign. Last evaluated: 2017-01-04. Review status: criteria provided, single submitter. Criteria: GeneDx Variant Classification (06012015). Collection method: clinical testing. Allele origin: germline. Affected: yes.
Comment: This variant is considered likely benign or benign based on one or more of the following criteria: it is a conservative change, it occurs at a poorly conserved position in the protein, it is predicted to be benign by multiple in silico algorithms, and/or has population frequency not consistent with disease.

Eurofins Ntd Llc (ga)
Classification: Uncertain significance. Last evaluated: 2016-10-02. Review status: criteria provided, single submitter. Criteria: EGL Classification Definitions 2015. Collection method: clinical testing. Allele origin: germline. Observed: 2 variant alleles, 2 heterozygotes.

PreventionGenetics, part of Exact Sciences
Classification: Likely benign for SYNE1-related condition. Last evaluated: 2020-08-20. Review status: no assertion criteria provided. Collection method: clinical testing. Allele origin: germline. Not counted in ClinVar's aggregate classification.
Comment: This variant is classified as likely benign based on ACMG/AMP sequence variant interpretation guidelines (Richards et al. 2015 PMID: 25741868, with internal and published modifications).

NM_182961.4(SYNE1):c.13554C>T (p.Arg4518=)

Gene: SYNE1 (spectrin repeat containing nuclear envelope protein 1; minus strand). Cytogenetic location: 6q25.2.
Variant type: single nucleotide variant.
Coding change: c.13554C>T on transcript NM_182961.4 (MANE Select); coding-DNA position 13554, C replaced by T.
Protein change: p.Arg4518=; no amino-acid change (arginine 4518 retained).
Molecular consequence: synonymous variant.
Genome position (GRCh38, 1-based): chr6:152,331,131, G>A on the plus strand (C>T on the coding strand, the complement: SYNE1 is on the minus strand). VCF-style: chr6-152331131-G-A. GRCh37 (hg19) VCF-style: chr6-152652266-G-A.
Other names: c.13341C>T, p.Arg4447= (NM_033071.5); c.13554C>T (NM_182961.2).
Identifiers: ClinVar variation 355875 (VCV000355875.42), dbSNP rs115535983, ClinGen allele CA4056159.
Genomic context (GRCh38, chr6:152,331,131, plus strand): 5'-TTCCTGAAGCTTCCCCAGCACTTCACTCTTTTCCTGCTCTGTGACTTCCTTCATTAGTTC[G>A]CGACCCTGGGCCCAAAGTCCAGTGACTTCATTTTGGTAAGTCTTGAGGCTGGCTTGTGCA-3'
Protein context (NP_892006.3, residues 4508-4528): NEVTGLWAQG[Arg4518=]ELMKEVTEQE